The following is an entry in ClinVar:

NM_000038.6(APC):c.8273A>G (p.Glu2758Gly)

Gene: APC (APC regulator of Wnt signaling pathway; plus strand). Cytogenetic location: 5q22.2.
Variant type: single nucleotide variant.
Coding change: c.8273A>G on transcript NM_000038.6 (MANE Select); coding-DNA position 8273, A replaced by G.
Protein change: p.Glu2758Gly; replaces glutamic acid 2758 with glycine.
Molecular consequence: missense variant.
Genome position (GRCh38, 1-based): chr5:112,843,867, A>G. VCF-style: chr5-112843867-A-G. GRCh37 (hg19) VCF-style: chr5-112179564-A-G.
Other names: c.8273A>G, p.Glu2758Gly (NM_001127510.3, NM_001354895.2); c.8219A>G, p.Glu2740Gly (NM_001127511.3); c.8327A>G, p.Glu2776Gly (NM_001354896.2); c.8303A>G, p.Glu2768Gly (NM_001354897.2); c.8198A>G, p.Glu2733Gly (NM_001354898.2); c.8189A>G, p.Glu2730Gly (NM_001354899.2); c.8150A>G, p.Glu2717Gly (NM_001354900.2); c.8096A>G, p.Glu2699Gly (NM_001354901.2); and 5 more; short protein forms E2740G, E2758G, E2667G, E2730G, E2598G, E2699G, E2733G, E2776G.
Identifiers: ClinVar variation 133515 (VCV000133515.33), dbSNP rs371616945, ClinGen allele CA014512.

ClinVar aggregate classification (germline): Conflicting classifications of pathogenicity. Review status: criteria provided, conflicting classifications (1 of 4 stars). 15 submissions from 15 submitters: Uncertain significance (10); Likely benign (3). 2 of the submissions do not count toward it. Last evaluated 2026-02-17.

Conditions:
APC-related disorder. Also called: APC-related condition.
Classic or attenuated familial adenomatous polyposis. Identifiers: MedGen CN372698, MONDO:0021057.
Hereditary cancer-predisposing syndrome. Also called: Neoplastic Syndromes, Hereditary; Tumor predisposition; Hereditary Cancer Syndrome; Hereditary neoplastic syndrome. Identifiers: Orphanet 140162, MedGen C0027672, MeSH D009386, MONDO:0015356.
Familial adenomatous polyposis 1 (FAP1). Also called: FAMILIAL ADENOMATOUS POLYPOSIS 1, ATTENUATED; POLYPOSIS, ADENOMATOUS INTESTINAL. Identifiers: MedGen C2713442, MONDO:0021056, OMIM 175100. Disease mechanism: loss of function.

Allele frequency attached by ClinVar (database versions not stated): gnomAD exomes below 0.00001 and 0.00002; ExAC 0.00001; TOPMed 0.00002; gnomAD 0.00003; ESP Exome Variant Server 0.00008.
gnomAD v4.1: 34 of 1,613,918 alleles (0.0021%); highest among the groups gnomAD compares: Non-Finnish European, 0.0027%; no homozygotes.

Submissions (15):

PreventionGenetics, part of Exact Sciences
Classification: Uncertain significance for APC-related condition. Last evaluated: 2026-02-17. Review status: criteria provided, single submitter. Criteria: ACMG Guidelines, 2015. Collection method: clinical testing. Allele origin: germline.
Comment: The APC c.8273A>G variant is predicted to result in the amino acid substitution p.Glu2758Gly. To our knowledge, this variant has not been reported in individuals with APC-related conditions. It has been detected in cancer cohorts in individuals with breast and/or ovarian cancers (Table S4, Bhai et al. 2021. PubMed ID: 34326862; Supporting information 2, Tung et al. 2015. PubMed ID: 25186627; Table S5, Maxwell et al. 2016. PubMed ID: 27153395). This variant is reported in 0.0023% of alleles in individuals of European (Non-Finnish) descent in gnomAD and has conflicting interpretations ranging from uncertain significance to likely benign in ClinVar (Variation ID: 133515). At this time, the clinical significance of this variant is uncertain due to the absence of conclusive functional and genetic evidence.

Labcorp Genetics (formerly Invitae), Labcorp
Classification: Uncertain significance for Familial adenomatous polyposis 1. Last evaluated: 2025-12-08. Review status: criteria provided, single submitter. Criteria: Invitae Variant Classification Sherloc (09022015). Collection method: clinical testing. Allele origin: germline.
Comment: This sequence change replaces glutamic acid, which is acidic and polar, with glycine, which is neutral and non-polar, at codon 2758 of the APC protein (p.Glu2758Gly). This variant is present in population databases (rs371616945, gnomAD 0.002%). This variant has not been reported in the literature in individuals affected with APC-related conditions. ClinVar contains an entry for this variant (Variation ID: 133515). Invitae Evidence Modeling of protein sequence and biophysical properties (such as structural, functional, and spatial information, amino acid conservation, physicochemical variation, residue mobility, and thermodynamic stability) indicates that this missense variant is not expected to disrupt APC protein function with a negative predictive value of 95%. In summary, the available evidence is currently insufficient to determine the role of this variant in disease. Therefore, it has been classified as a Variant of Uncertain Significance.

Color Diagnostics, LLC DBA Color Health
Classification: Likely benign for Hereditary cancer-predisposing syndrome. Last evaluated: 2025-02-18. Review status: criteria provided, single submitter. Criteria: ACMG Guidelines, 2015. Collection method: clinical testing. Allele origin: germline.

Department of Pathology and Laboratory Medicine, Sinai Health System
Classification: Likely benign for classic or attenuated familial adenomatous polyposis. Last evaluated: 2024-12-10. Review status: criteria provided, single submitter. Criteria: ACMG Guidelines, 2015. Collection method: clinical testing. Allele origin: germline.

GeneDx
Classification: Uncertain significance. Last evaluated: 2024-06-24. Review status: criteria provided, single submitter. Criteria: GeneDx Variant Classification Process June 2021. Collection method: clinical testing. Allele origin: germline. Affected: yes.
Comment: Not observed at significant frequency in large population cohorts (gnomAD); In silico analysis indicates that this missense variant does not alter protein structure/function; This variant is associated with the following publications: (PMID: 24728327, 27153395, 25186627, 18199528, 34326862)

Baylor Genetics
Classification: Uncertain significance for Familial adenomatous polyposis 1. Last evaluated: 2024-03-24. Review status: criteria provided, single submitter. Criteria: ACMG Guidelines, 2015. Collection method: clinical testing. Allele origin: unknown.

All of Us Research Program, National Institutes of Health
Classification: Uncertain significance for Classic or attenuated familial adenomatous polyposis. Last evaluated: 2023-12-13. Review status: criteria provided, single submitter. Criteria: ACMG Guidelines, 2015. Collection method: clinical testing. Allele origin: germline. Inheritance: Autosomal dominant inheritance. Observed: 4 variant alleles, 4 heterozygotes.
Comment: This missense variant replaces glutamic acid with glycine at codon 2758 of the APC protein. Computational prediction tool suggests that this variant may not impact protein structure and function (internally defined REVEL score threshold <= 0.5, PMID: 27666373). To our knowledge, functional studies have not been performed for this variant. This variant has been reported in individuals affected with breast or ovarian cancer (PMID: 25186627, 27153395). This variant has also been identified in 3/282486 chromosomes in the general population by the Genome Aggregation Database (gnomAD). The available evidence is insufficient to determine the role of this variant in disease conclusively. Therefore, this variant is classified as a Variant of Uncertain Significance.

This study involves interpretation of variants in research participants for the purpose of population health screening. Participant phenotype was not available at the time of variant classification. Additional details can be found in publication PMID: 35346344, PMCID: PMC8962531

Blueprint Genetics
Classification: Uncertain significance. Last evaluated: 2023-02-24. Review status: criteria provided, single submitter. Criteria: ACMG Guidelines, 2015. Collection method: clinical testing. Allele origin: germline.

Myriad Genetics, Inc.
Classification: Uncertain significance for Familial adenomatous polyposis 1. Last evaluated: 2023-02-22. Review status: criteria provided, single submitter. Criteria: Myriad Autosomal Dominant, Autosomal Recessive and X-Linked Classification Criteria (2023). Collection method: clinical testing. Allele origin: unknown.
Comment: This variant is classified as a variant of uncertain significance as there is insufficient evidence to determine its impact on protein function and/or cancer risk.

Ambry Genetics
Classification: Likely benign for Hereditary cancer-predisposing syndrome. Last evaluated: 2022-05-24. Review status: criteria provided, single submitter. Criteria: Ambry Variant Classification Scheme 2023. Collection method: clinical testing. Allele origin: germline.

Sema4
Classification: Uncertain significance for Hereditary cancer-predisposing syndrome. Last evaluated: 2021-09-20. Review status: criteria provided, single submitter. Criteria: Sema4 Curation Guidelines. Collection method: curation. Allele origin: germline.
Comment: The APC c.8273A>G (p.E2758G) variant has been reported in at least two individuals with breast cancer, as well as in a healthy, ancestrally diverse cohort (PMID: 27153395, 25186627, 24728327). It was observed in 3/128868 chromosomes of the Non-Finnish European subpopulation in the large and broad cohorts of the Genome Aggregation Database (PMID: 32461654). The variant has been reported in ClinVar (Variation ID: 133515). Functional studies have not been performed, and in silico predictions of the variant's effect on protein function are inconclusive. The evidence is insufficient to meet ACMG/AMP criteria for classifying the variant as benign or pathogenic. Thus, the clinical significance of this variant is currently uncertain.

Women's Health and Genetics/Laboratory Corporation of America, LabCorp
Classification: Uncertain significance. Last evaluated: 2021-04-16. Review status: criteria provided, single submitter. Criteria: LabCorp Variant Classification Summary - May 2015. Collection method: clinical testing. Allele origin: germline.
Comment: Variant summary: APC c.8273A>G (p.Glu2758Gly) results in a non-conservative amino acid change located in the EB-1 binding domain (IPR009232) of the encoded protein sequence. Four of five in-silico tools predict a damaging effect of the variant on protein function. The variant allele was found at a frequency of 4e-06 in 251092 control chromosomes. The available data on variant occurrences in the general population are insufficient to allow any conclusion about variant significance. c.8273A>G has been reported in the literature in individuals affected with - or at high risk for breast and/or ovarian cancer (example, Maxwell_2016, Tung_2015). These report(s) do not provide unequivocal conclusions about association of the variant with Familial Adenomatous Polyposis. To our knowledge, no experimental evidence demonstrating an impact on protein function has been reported. Six clinical diagnostic laboratories have submitted clinical-significance assessments for this variant to ClinVar after 2014 without evidence for independent evaluation. All laboratories classified the variant as uncertain significance. Some submitters cite overlapping evidence utilized in the context of this evaluation. Based on the evidence outlined above, the variant was classified as uncertain significance.

Quest Diagnostics Nichols Institute San Juan Capistrano
Classification: Uncertain significance. Last evaluated: 2019-03-24. Review status: criteria provided, single submitter. Criteria: Quest Diagnostics criteria. Collection method: clinical testing. Allele origin: germline.

Counsyl
Classification: Uncertain significance for Familial adenomatous polyposis 1. Last evaluated: 2016-07-29. Review status: no assertion criteria provided. Collection method: clinical testing. Allele origin: unknown. Not counted in ClinVar's aggregate classification.

ITMI
No classification provided. Condition: AllHighlyPenetrant. Last evaluated: 2013-09-19. Review status: no classification provided. Collection method: reference population. Allele origin: germline. Not counted in ClinVar's aggregate classification.
Comment: Please see associated publication for description of ethnicities

Literature cited by the submitters: PubMed 27153395 (cited by 6 submitters); PubMed 25186627 (cited by 6 submitters); PubMed 24728327 (cited by 6 submitters).